The following is an entry in ClinVar:

NM_024675.4(PALB2):c.3351-5A>G

Gene: PALB2 (partner and localizer of BRCA2; minus strand). Cytogenetic location: 16p12.2.
Variant type: single nucleotide variant.
Coding change: c.3351-5A>G on transcript NM_024675.4 (MANE Select); 5 bases into the intron before coding-DNA position 3351, A replaced by G.
Molecular consequence: intron variant.
Genome position (GRCh38, 1-based): chr16:23,603,674, T>C on the plus strand (A>G on the coding strand, the complement: PALB2 is on the minus strand). VCF-style: chr16-23603674-T-C. GRCh37 (hg19) VCF-style: chr16-23614995-T-C.
Identifiers: ClinVar variation 481026 (VCV000481026.22), dbSNP rs749386551, ClinGen allele CA7963356.
Genomic context (GRCh38, chr16:23,603,674, plus strand): 5'-TTCCAGAAGTCAAGATTGCTGCTGCACAGTGATCTTTCACGTCACCTTCCAGGAACCTGA[T>C]AGCATACAAAGAAGATATAATTCAGATTACATATCCAAAAAACAATTAAAAAAAAAAAAA-3'

ClinVar aggregate classification (germline): Likely benign. Review status: criteria provided, multiple submitters, no conflicts (2 of 4 stars). 5 submissions from 5 submitters: Likely benign (5). Last evaluated 2025-05-01.

Conditions:
Familial cancer of breast. Also called: BREAST CANCER, FAMILIAL; Hereditary breast cancer; hereditary breast carcinoma. Identifiers: Orphanet 227535, MedGen C0346153, MONDO:0016419, OMIM 114480. Disease mechanism: loss of function.
Hereditary cancer-predisposing syndrome. Also called: Hereditary Cancer Syndrome; Neoplastic Syndromes, Hereditary; Tumor predisposition; Hereditary neoplastic syndrome. Identifiers: Orphanet 140162, MedGen C0027672, MeSH D009386, MONDO:0015356.

Allele frequency attached by ClinVar (database versions not stated): ExAC 0.00001; gnomAD exomes 0.00001.
gnomAD v4.1: 4 of 1,608,542 alleles (0.00025%); highest among the groups gnomAD compares: South Asian, 0.0033%; no homozygotes.

Submissions (5):

Labcorp Genetics (formerly Invitae), Labcorp
Classification: Likely benign for Familial cancer of breast. Last evaluated: 2025-05-01. Review status: criteria provided, single submitter. Criteria: Invitae Variant Classification Sherloc (09022015). Collection method: clinical testing. Allele origin: germline.

Color Diagnostics, LLC DBA Color Health
Classification: Likely benign for Hereditary cancer-predisposing syndrome. Last evaluated: 2025-03-13. Review status: criteria provided, single submitter. Criteria: ACMG Guidelines, 2015. Collection method: clinical testing. Allele origin: germline.

Myriad Genetics, Inc.
Classification: Likely benign for Familial cancer of breast. Last evaluated: 2025-01-22. Review status: criteria provided, single submitter. Criteria: Myriad Autosomal Dominant, Autosomal Recessive and X-Linked Classification Criteria (2023). Collection method: clinical testing. Allele origin: unknown.
Comment: This variant is considered likely benign. This variant is intronic and is not expected to impact mRNA splicing.

GeneDx
Classification: Likely benign. Last evaluated: 2019-10-21. Review status: criteria provided, single submitter. Criteria: GeneDx Variant Classification Process June 2021. Collection method: clinical testing. Allele origin: germline. Affected: yes.

Ambry Genetics
Classification: Likely benign for Hereditary cancer-predisposing syndrome. Last evaluated: 2016-05-13. Review status: criteria provided, single submitter. Criteria: Ambry Variant Classification Scheme 2023. Collection method: clinical testing. Allele origin: germline.